The following is an entry in ClinVar:

ClinVar aggregate classification (germline): Uncertain significance (1 of 4 stars; one submission).

Conditions:
Ataxia-telangiectasia syndrome (AT). Also called: Ataxia-telangiectasia, complementation group D; AT, COMPLEMENTATION GROUP C; ATAXIA-TELANGIECTASIA, COMPLEMENTATION GROUP A; ATAXIA-TELANGIECTASIA, FRESNO VARIANT; Ataxia-telangiectasia; Ataxia-telangiectasia, complementation group E. Identifiers: Orphanet 100, MedGen C0004135, MONDO:0008840, OMIM 208900.

Submission:

Labcorp Genetics (formerly Invitae), Labcorp
Classification: Uncertain significance for Ataxia-telangiectasia syndrome. Last evaluated: 2025-02-03. Review status: criteria provided, single submitter. Criteria: Invitae Variant Classification Sherloc (09022015). Collection method: clinical testing. Allele origin: germline.
Comment: This sequence change replaces leucine, which is neutral and non-polar, with arginine, which is basic and polar, at codon 2309 of the ATM protein (p.Leu2309Arg). This variant is not present in population databases (gnomAD no frequency). This variant has not been reported in the literature in individuals affected with ATM-related conditions. Invitae Evidence Modeling of protein sequence and biophysical properties (such as structural, functional, and spatial information, amino acid conservation, physicochemical variation, residue mobility, and thermodynamic stability) indicates that this missense variant is not expected to disrupt ATM protein function with a negative predictive value of 95%. In summary, the available evidence is currently insufficient to determine the role of this variant in disease. Therefore, it has been classified as a Variant of Uncertain Significance.

NM_000051.4(ATM):c.6926T>G (p.Leu2309Arg)

Genes: ATM (ATM serine/threonine kinase; plus strand), C11orf65 (chromosome 11 open reading frame 65; minus strand). Cytogenetic location: 11q22.3.
Variant type: single nucleotide variant.
Coding change: c.6926T>G on transcript NM_000051.4 (MANE Select); coding-DNA position 6926, T replaced by G.
Protein change: p.Leu2309Arg; replaces leucine 2309 with arginine.
Molecular consequence: missense variant. On other transcripts: intron variant (2).
Genome position (GRCh38, 1-based): chr11:108,326,176, T>G. VCF-style: chr11-108326176-T-G. GRCh37 (hg19) VCF-style: chr11-108196903-T-G.
Other names: c.6926T>G, p.Leu2309Arg (NM_001351834.2); c.641-17105A>C (NM_001330368.2); c.*38+9044A>C (NM_001351110.2); short protein forms L2309R.
Identifiers: ClinVar variation 3657410 (VCV003657410.2).
Genomic context (GRCh38, chr11:108,326,176, plus strand): 5'-CTGAGTGGCAGCTGGAAGAAGCACAAGTATTCTGGGCAAAAAAGGAGCAGAGTCTTGCCC[T>G]GAGTATTCTCAAGCAAATGATCAAGAAGTTGGATGCCAGCTGTGCAGCGGTTTGTTTTTT-3'
Protein context (NP_000042.3, residues 2299-2319): FWAKKEQSLA[Leu2309Arg]SILKQMIKKL